The following is an entry in ClinVar:

ClinVar aggregate classification (germline): Uncertain significance (1 of 4 stars; one submission).

Conditions:
Mendelian susceptibility to mycobacterial diseases due to partial STAT1 deficiency. Also called: IMMUNODEFICIENCY 31A, MYCOBACTERIOSIS, AUTOSOMAL DOMINANT; STAT1 DEFICIENCY, AUTOSOMAL DOMINANT; Immunodeficiency 31a. Identifiers: Orphanet 319595, MedGen C4013950, MONDO:0013956, OMIM 614892.
Immunodeficiency 31B. Also called: STAT1 DEFICIENCY, AUTOSOMAL RECESSIVE; IMMUNODEFICIENCY 31B, MYCOBACTERIAL AND VIRAL INFECTIONS, AUTOSOMAL RECESSIVE. Identifiers: Orphanet 391311, MedGen C3151088, MONDO:0013427, OMIM 613796.
Autoimmune enteropathy and endocrinopathy - susceptibility to chronic infections syndrome. Also called: Immunodeficiency 31C, autosomal dominant; Immunodeficiency 31C. Identifiers: Orphanet 391487, MedGen C3279990, MONDO:0013599, OMIM 614162.

Submission:

Labcorp Genetics (formerly Invitae), Labcorp
Classification: Uncertain significance for Mendelian susceptibility to mycobacterial diseases due to partial STAT1 deficiency; Immunodeficiency 31B; Autoimmune enteropathy and endocrinopathy - susceptibility to chronic infections syndrome. Last evaluated: 2022-08-23. Review status: criteria provided, single submitter. Criteria: Invitae Variant Classification Sherloc (09022015). Collection method: clinical testing. Allele origin: germline.
Comment: ClinVar contains an entry for this variant (Variation ID: 959111). This variant has not been reported in the literature in individuals affected with STAT1-related conditions. This variant is not present in population databases (gnomAD no frequency). This sequence change replaces lysine, which is basic and polar, with glutamic acid, which is acidic and polar, at codon 286 of the STAT1 protein (p.Lys286Glu). Algorithms developed to predict the effect of missense changes on protein structure and function are either unavailable or do not agree on the potential impact of this missense change (SIFT: "Deleterious"; PolyPhen-2: "Possibly Damaging"; Align-GVGD: "Class C15"). In summary, the available evidence is currently insufficient to determine the role of this variant in disease. Therefore, it has been classified as a Variant of Uncertain Significance. This variant disrupts the p.Lys286 amino acid residue in STAT1. Other variant(s) that disrupt this residue have been determined to be pathogenic (Invitae). This suggests that this residue is clinically significant, and that variants that disrupt this residue are likely to be disease-causing.

NM_007315.4(STAT1):c.856A>G (p.Lys286Glu)

Gene: STAT1 (signal transducer and activator of transcription 1; minus strand). Cytogenetic location: 2q32.2.
Variant type: single nucleotide variant.
Coding change: c.856A>G on transcript NM_007315.4 (MANE Select); coding-DNA position 856, A replaced by G.
Protein change: p.Lys286Glu; replaces lysine 286 with glutamic acid.
Molecular consequence: missense variant. On other transcripts: intron variant (1).
Genome position (GRCh38, 1-based): chr2:190,995,149, T>C on the plus strand (A>G on the coding strand, the complement: STAT1 is on the minus strand). VCF-style: chr2-190995149-T-C. GRCh37 (hg19) VCF-style: chr2-191859875-T-C.
Other names: c.856A>G, p.Lys286Glu (NM_001384880.1, NM_001384882.1, NM_001384886.1 and 4 more transcripts); c.862A>G, p.Lys288Glu (NM_001384881.1, NM_001384884.1); c.757A>G, p.Lys253Glu (NM_001384883.1); c.766A>G, p.Lys256Glu (NM_001384890.1); c.892A>G, p.Lys298Glu (NM_001384891.1); c.785+2707A>G (NM_001384885.1); short protein forms K286E, K253E, K256E, K288E, K298E.
Identifiers: ClinVar variation 959111 (VCV000959111.9), dbSNP rs1693752377, ClinGen allele CA349921850.